The following is an entry in ClinVar:

ClinVar aggregate classification (germline): Uncertain significance (1 of 4 stars; one submission).

Allele frequency attached by ClinVar (database versions not stated): TOPMed 0.00001; gnomAD 0.00007; gnomAD exomes 0.00017; ExAC 0.00021; 1000 Genomes Project 30x 0.00109; 1000 Genomes Project 0.00120.
gnomAD v4.1: 109 of 1,613,798 alleles (0.0068%); highest among the groups gnomAD compares: South Asian, 0.12%; 2 homozygotes.

Submission:

Labcorp Genetics (formerly Invitae), Labcorp
Classification: Uncertain significance. Last evaluated: 2025-10-29. Review status: criteria provided, single submitter. Criteria: Invitae Variant Classification Sherloc (09022015). Collection method: clinical testing. Allele origin: germline.
Comment: This sequence change replaces glycine, which is neutral and non-polar, with valine, which is neutral and non-polar, at codon 664 of the DSG1 protein (p.Gly664Val). This variant is present in population databases (rs570598771, gnomAD 0.1%). This variant has not been reported in the literature in individuals affected with DSG1-related conditions. ClinVar contains an entry for this variant (Variation ID: 1523148). Invitae Evidence Modeling of protein sequence and biophysical properties (such as structural, functional, and spatial information, amino acid conservation, physicochemical variation, residue mobility, and thermodynamic stability) indicates that this missense variant is not expected to disrupt DSG1 protein function with a negative predictive value of 80%. In summary, the available evidence is currently insufficient to determine the role of this variant in disease. Therefore, it has been classified as a Variant of Uncertain Significance.

NM_001942.4(DSG1):c.1991G>T (p.Gly664Val)

Genes: DSG1 (desmoglein 1; plus strand), DSG1-AS1 (DSG1 antisense RNA 1; minus strand). Cytogenetic location: 18q12.1.
Variant type: single nucleotide variant.
Coding change: c.1991G>T on transcript NM_001942.4 (MANE Select); coding-DNA position 1991, G replaced by T.
Protein change: p.Gly664Val; replaces glycine 664 with valine.
Molecular consequence: missense variant.
Genome position (GRCh38, 1-based): chr18:31,346,089, G>T. VCF-style: chr18-31346089-G-T. GRCh37 (hg19) VCF-style: chr18-28926052-G-T.
Other names: short protein forms G664V.
Identifiers: ClinVar variation 1523148 (VCV001523148.6), dbSNP rs570598771, ClinGen allele CA8926244.
Genomic context (GRCh38, chr18:31,346,089, plus strand): 5'-ATCTGGGAGGAGGAGAGAGAATGACAGGATTTGAACTAACAGAGGGAGTTAAAACTTCAG[G>T]AATGCCTGAGATATGTCAAGAATACTCTGGAACATTAAGAAGAAATTCTATGAGGGAATG-3'
Protein context (NP_001933.2, residues 654-674): FELTEGVKTS[Gly664Val]MPEICQEYSG